The following is an entry in ClinVar:

ClinVar aggregate classification (germline): Pathogenic (1 of 4 stars; one submission).

Conditions:
Neuropathy, hereditary sensory and autonomic, type 2A (HSAN2A). Also called: MORVAN DISEASE; NEUROPATHY, CONGENITAL SENSORY; NEUROPATHY, HEREDITARY SENSORY RADICULAR, AUTOSOMAL RECESSIVE; NEUROPATHY, HEREDITARY SENSORY, TYPE IIA; NEUROPATHY, PROGRESSIVE SENSORY, OF CHILDREN; ACROOSTEOLYSIS, GIACCAI TYPE. Identifiers: Orphanet 970, MedGen C2752089, MONDO:0024309, OMIM 201300.
Generalized epilepsy with febrile seizures plus, type 7 (GEFSP7). Also called: GEFS+, TYPE 7. Identifiers: Orphanet 36387, MedGen C2751778, MONDO:0013470, OMIM 613863.

Submission:

Labcorp Genetics (formerly Invitae), Labcorp
Classification: Pathogenic for Neuropathy, hereditary sensory and autonomic, type 2A; Generalized epilepsy with febrile seizures plus, type 7. Last evaluated: 2024-08-19. Review status: criteria provided, single submitter. Criteria: Invitae Variant Classification Sherloc (09022015). Collection method: clinical testing. Allele origin: germline.
Comment: This sequence change creates a premature translational stop signal (p.Lys432Argfs*6) in the SCN9A gene. It is expected to result in an absent or disrupted protein product. Loss-of-function variants in SCN9A are known to be pathogenic (PMID: 17470132, 19304393). This variant is not present in population databases (gnomAD no frequency). This variant has not been reported in the literature in individuals affected with SCN9A-related conditions. For these reasons, this variant has been classified as Pathogenic.

Literature cited by the submitters: PubMed 17470132; PubMed 19304393.

NM_001365536.1(SCN9A):c.1295_1296del (p.Lys432fs)

Genes: SCN9A (sodium voltage-gated channel alpha subunit 9; minus strand), SCN1A-AS1 (SCN1A and SCN9A antisense RNA 1; plus strand). Cytogenetic location: 2q24.3.
Variant type: Deletion.
Coding change: c.1295_1296del on transcript NM_001365536.1 (MANE Select); coding-DNA positions 1295 to 1296, 2 bases deleted (AA; older notation c.1295_1296delAA).
Protein change: p.Lys432fs; shifts the reading frame from lysine 432.
Molecular consequence: frameshift variant.
Genome position (GRCh38, 1-based): chr2:166,288,455-166,288,456, TT deleted on the plus strand (AA on the coding strand, the reverse complement: SCN9A is on the minus strand); deleting any 2 consecutive bases within chr2:166,288,455-166,288,460 gives the same sequence; the c. name uses the placement nearest the transcript's 3' end. VCF-style (leftmost placement, unchanged base first): chr2-166288454-CTT-C. GRCh37 (hg19) VCF-style: chr2-167144964-CTT-C.
Other names: c.1295_1296del, p.Lys432fs (NM_002977.4); short protein forms K432fs.
Identifiers: ClinVar variation 3750000 (VCV003750000.2).